The following is an entry in ClinVar:

NM_004628.5(XPC):c.764C>G (p.Ser255Ter)

Gene: XPC (XPC complex subunit, DNA damage recognition and repair factor; minus strand). Cytogenetic location: 3p25.1.
Variant type: single nucleotide variant.
Coding change: c.764C>G on transcript NM_004628.5 (MANE Select); coding-DNA position 764, C replaced by G.
Protein change: p.Ser255Ter; replaces serine 255 with a stop codon.
Molecular consequence: nonsense. On other transcripts: non-coding transcript variant (2).
Genome position (GRCh38, 1-based): chr3:14,165,443, G>C on the plus strand (C>G on the coding strand, the complement: XPC is on the minus strand). VCF-style: chr3-14165443-G-C. GRCh37 (hg19) VCF-style: chr3-14206943-G-C.
Other names: c.185C>G, p.Ser62Ter (NM_001354726.2); c.764C>G, p.Ser255Ter (NM_001354727.2, NM_001354730.2); c.746C>G, p.Ser249Ter (NM_001354729.2); short protein forms S62*, S249*, S255*.
Identifiers: ClinVar variation 2851055 (VCV002851055.3), dbSNP rs1041284849, ClinGen allele CA351541929.
Genomic context (GRCh38, chr3:14,165,443, plus strand): 5'-AAATCCTACACTCCCCAGCTCTGCAGGACAAGCGGAGGGCCTTACCACTTCACCAGGTTT[G>C]AGAGGTAGTAGGTGTCCACATCTCGAGGCAGCACTCTGGTAAAGCGGGCTGGGATGATGG-3'

ClinVar aggregate classification (germline): Pathogenic (1 of 4 stars; one submission).

Allele frequency attached by ClinVar (database versions not stated): gnomAD exomes below 0.00001.

Submission:

Labcorp Genetics (formerly Invitae), Labcorp
Classification: Pathogenic. Last evaluated: 2023-08-07. Review status: criteria provided, single submitter. Criteria: Invitae Variant Classification Sherloc (09022015). Collection method: clinical testing. Allele origin: germline.
Comment: For these reasons, this variant has been classified as Pathogenic. This variant has not been reported in the literature in individuals affected with XPC-related conditions. This variant is not present in population databases (gnomAD no frequency). This sequence change creates a premature translational stop signal (p.Ser255*) in the XPC gene. It is expected to result in an absent or disrupted protein product. Loss-of-function variants in XPC are known to be pathogenic (PMID: 23173980, 25256075).

Literature cited by the submitters: PubMed 23173980; PubMed 25256075.